The following is an entry in ClinVar:

ClinVar aggregate classification (germline): Likely pathogenic (1 of 4 stars; one submission).

Conditions:
Congenital muscular dystrophy due to integrin alpha-7 deficiency. Also called: MYOPATHY, CONGENITAL, DUE TO INTEGRIN ALPHA-7 DEFICIENCY; Congenital muscular dystrophy with integrin alpha-7 deficiency; Muscular dystrophy, congenital, due to ITGA7 deficiency. Identifiers: Orphanet 34520, MedGen C2750786, MONDO:0013177, OMIM 613204.

Submission:

Labcorp Genetics (formerly Invitae), Labcorp
Classification: Likely pathogenic for Congenital muscular dystrophy due to integrin alpha-7 deficiency. Last evaluated: 2024-12-07. Review status: criteria provided, single submitter. Criteria: Invitae Variant Classification Sherloc (09022015). Collection method: clinical testing. Allele origin: germline.
Comment: This sequence change affects a donor splice site in intron 2 of the ITGA7 gene. It is expected to disrupt RNA splicing. Variants that disrupt the donor or acceptor splice site typically lead to a loss of protein function (PMID: 16199547), and loss-of-function variants in ITGA7 are known to be pathogenic (PMID: 9590299). This variant is not present in population databases (gnomAD no frequency). This variant has not been reported in the literature in individuals affected with ITGA7-related conditions. ClinVar contains an entry for this variant (Variation ID: 1067219). Algorithms developed to predict the effect of sequence changes on RNA splicing suggest that this variant may disrupt the consensus splice site. In summary, the currently available evidence indicates that the variant is pathogenic, but additional data are needed to prove that conclusively. Therefore, this variant has been classified as Likely Pathogenic.

Literature cited by the submitters: PubMed 16199547; PubMed 9590299.

NM_002206.3(ITGA7):c.334+1G>T

Gene: ITGA7 (integrin subunit alpha 7; minus strand). Cytogenetic location: 12q13.2.
Variant type: single nucleotide variant.
Coding change: c.334+1G>T on transcript NM_002206.3 (MANE Select); the canonical splice donor site of the intron after coding-DNA position 334, G replaced by T.
Molecular consequence: splice donor variant. On other transcripts: intron variant (1).
Genome position (GRCh38, 1-based): chr12:55,703,050, C>A on the plus strand (G>T on the coding strand, the complement: ITGA7 is on the minus strand). VCF-style: chr12-55703050-C-A. GRCh37 (hg19) VCF-style: chr12-56096834-C-A.
Other names: c.86-1634G>T (NM_001144997.2); c.-6+1G>T (NM_001367993.1, NM_001414035.1); c.334+1G>T (NM_001414033.1, NM_001414032.1, NM_001414031.1 and 6 more transcripts); c.-839+1G>T (NM_001367994.1).
Identifiers: ClinVar variation 1067219 (VCV001067219.7), dbSNP rs2136072590, ClinGen allele CA385193628.